The following is an entry in ClinVar:

NM_001267550.2(TTN):c.95526C>G (p.Tyr31842Ter)

Genes: TTN (titin; minus strand), TTN-AS1 (TTN antisense RNA 1; plus strand). Cytogenetic location: 2q31.2.
Variant type: single nucleotide variant.
Coding change: c.95526C>G on transcript NM_001267550.2 (MANE Select); coding-DNA position 95526, C replaced by G.
Protein change: p.Tyr31842Ter; replaces tyrosine 31842 with a stop codon.
Molecular consequence: nonsense.
Genome position (GRCh38, 1-based): chr2:178,545,584, G>C on the plus strand (C>G on the coding strand, the complement: TTN is on the minus strand). VCF-style: chr2-178545584-G-C. GRCh37 (hg19) VCF-style: chr2-179410311-G-C.
Other names: c.90603C>G, p.Tyr30201Ter (NM_001256850.1); c.68331C>G, p.Tyr22777Ter (NM_003319.4); c.87822C>G, p.Tyr29274Ter (NM_133378.4); c.68706C>G, p.Tyr22902Ter (NM_133432.3); c.68907C>G, p.Tyr22969Ter (NM_133437.4); short protein forms Y22902*, Y31842*, Y22969*, Y22777*, Y29274*, Y30201*.
Identifiers: ClinVar variation 3464268 (VCV003464268.1).

ClinVar aggregate classification (germline): Likely pathogenic (1 of 4 stars; one submission).

Conditions:
Cardiovascular phenotype. Identifiers: MedGen CN230736.

Submission:

Ambry Genetics
Classification: Likely pathogenic for Cardiovascular phenotype. Last evaluated: 2024-10-10. Review status: criteria provided, single submitter. Criteria: Ambry Variant Classification Scheme 2023. Collection method: clinical testing. Allele origin: germline.
Comment: The c.68331C>G (p.Y22777*) alteration, located in exon 172 (coding exon 171) of the TTN gene, consists of a C to G substitution at nucleotide position 68331. This changes the amino acid from a tyrosine (Y) to a stop codon at amino acid position 22777. This alteration is expected to result in loss of function by premature protein truncation or nonsense-mediated mRNA decay. This variant was not reported in population-based cohorts in the Genome Aggregation Database (gnomAD). This exon is located in the A-band region of the N2-B isoform of the titin protein and is constitutively expressed in TTN transcripts (percent spliced in or PSI 100%). Based on the available evidence, this alteration is classified as likely pathogenic.